The following is an entry in ClinVar:

ClinVar aggregate classification (germline): Likely pathogenic. Review status: criteria provided, multiple submitters, no conflicts (2 of 4 stars). 2 submissions from 2 submitters: Likely pathogenic (2). Last evaluated 2025-12-28.

Conditions:
Amyotrophic lateral sclerosis type 1 (ALS1). Also called: AMYOTROPHIC LATERAL SCLEROSIS 1, FAMILIAL. Identifiers: Orphanet 803, MedGen C1862939, MONDO:0007103, OMIM 105400.

Submissions (2):

Labcorp Genetics (formerly Invitae), Labcorp
Classification: Likely pathogenic for Amyotrophic lateral sclerosis type 1. Last evaluated: 2025-12-28. Review status: criteria provided, single submitter. Criteria: Invitae Variant Classification Sherloc (09022015). Collection method: clinical testing. Allele origin: germline.
Comment: This sequence change replaces glycine, which is neutral and non-polar, with alanine, which is neutral and non-polar, at codon 148 of the SOD1 protein (p.Gly148Ala). This variant is not present in population databases (gnomAD no frequency). This missense change has been observed in individual(s) with amyotrophic lateral sclerosis (PMID: 33408239). ClinVar contains an entry for this variant (Variation ID: 3602194). Invitae Evidence Modeling of protein sequence and biophysical properties (such as structural, functional, and spatial information, amino acid conservation, physicochemical variation, residue mobility, and thermodynamic stability) indicates that this missense variant is expected to disrupt SOD1 protein function with a positive predictive value of 95%. This variant disrupts the p.Gly148 amino acid residue in SOD1. Other variant(s) that disrupt this residue have been determined to be pathogenic (PMID: 20577002, 25109764, 29895397). This suggests that this residue is clinically significant, and that variants that disrupt this residue are likely to be disease-causing. In summary, the currently available evidence indicates that the variant is pathogenic, but additional data are needed to prove that conclusively. Therefore, this variant has been classified as Likely Pathogenic.

GeneDx
Classification: Likely pathogenic. Last evaluated: 2024-08-01. Review status: criteria provided, single submitter. Criteria: GeneDx Variant Classification Process June 2021. Collection method: clinical testing. Allele origin: germline. Affected: yes.
Comment: Reported previously in a patient with ALS; however, no further clinical or segregation information was provided (PMID: 36979682); Not observed at significant frequency in large population cohorts (gnomAD); In silico analysis supports that this missense variant has a deleterious effect on protein structure/function; This variant is associated with the following publications: (PMID: 33785574, 33408239, 23280792, 20577002, 29895397, 25109764, 36979682)

Literature cited by the submitters: PubMed 33408239 (cited by Labcorp Genetics (formerly Invitae), Labcorp); PubMed 20577002 (cited by Labcorp Genetics (formerly Invitae), Labcorp); PubMed 25109764 (cited by Labcorp Genetics (formerly Invitae), Labcorp); PubMed 29895397 (cited by Labcorp Genetics (formerly Invitae), Labcorp).

NM_000454.5(SOD1):c.443G>C (p.Gly148Ala)

Gene: SOD1 (superoxide dismutase 1; plus strand). Cytogenetic location: 21q22.11.
Variant type: single nucleotide variant.
Coding change: c.443G>C on transcript NM_000454.5 (MANE Select); coding-DNA position 443, G replaced by C.
Protein change: p.Gly148Ala; replaces glycine 148 with alanine.
Molecular consequence: missense variant.
Genome position (GRCh38, 1-based): chr21:31,668,556, G>C. VCF-style: chr21-31668556-G-C. GRCh37 (hg19) VCF-style: chr21-33040869-G-C.
Other names: short protein forms G148A.
Identifiers: ClinVar variation 3602194 (VCV003602194.2).